The following is an entry in ClinVar:

NM_000521.4(HEXB):c.150C>T (p.Ala50=)

Gene: HEXB (hexosaminidase subunit beta; plus strand). Cytogenetic location: 5q13.3.
Variant type: single nucleotide variant.
Coding change: c.150C>T on transcript NM_000521.4 (MANE Select); coding-DNA position 150, C replaced by T.
Protein change: p.Ala50=; no amino-acid change (alanine 50 retained).
Molecular consequence: synonymous variant. On other transcripts: intron variant (1).
Genome position (GRCh38, 1-based): chr5:74,685,410, C>T. VCF-style: chr5-74685410-C-T. GRCh37 (hg19) VCF-style: chr5-73981235-C-T.
Other names: p.Ala50=; c.-376-3918C>T (NM_001292004.2).
Identifiers: ClinVar variation 763563 (VCV000763563.17), dbSNP rs779421706, ClinGen allele CA3305743.

ClinVar aggregate classification (germline): Likely benign. Review status: criteria provided, multiple submitters, no conflicts (2 of 4 stars). 5 submissions from 5 submitters: Likely benign (4). 1 of the submissions does not count toward it. Last evaluated 2026-01-19.

Conditions:
Sandhoff disease. Also called: GM2-GANGLIOSIDOSIS, TYPE II; Beta-hexosaminidase-beta-subunit deficiency; GM2 gangliosidosis, type 2; Total hexosaminidase deficiency; Sandhoff-Jatzkewitz-Pilz disease; HEXOSAMINIDASES A AND B DEFICIENCY. Identifiers: Orphanet 796, MedGen C0036161, MONDO:0010006, OMIM 268800.

Allele frequency attached by ClinVar (database versions not stated): gnomAD below 0.00001 and 0.00003; TOPMed 0.00001; gnomAD exomes 0.00008 and 0.00013; ExAC 0.00027.
gnomAD v4.1: 114 of 1,597,314 alleles (0.0071%); highest among the groups gnomAD compares: South Asian, 0.12%; 1 homozygote.

Submissions (5):

Labcorp Genetics (formerly Invitae), Labcorp
Classification: Likely benign for Sandhoff disease. Last evaluated: 2026-01-19. Review status: criteria provided, single submitter. Criteria: Invitae Variant Classification Sherloc (09022015). Collection method: clinical testing. Allele origin: germline.

CeGaT Center for Human Genetics Tuebingen
Classification: Likely benign. Last evaluated: 2026-01-01. Review status: criteria provided, single submitter. Criteria: CeGaT Center For Human Genetics Tuebingen Variant Classification Criteria Version 2. Collection method: clinical testing. Allele origin: germline. Affected: yes. Observed: 1 variant allele.
Comment: HEXB: BP4, BP7

Mayo Clinic Laboratories, Mayo Clinic
Classification: Likely benign. Last evaluated: 2025-08-07. Review status: criteria provided, single submitter. Criteria: ACMG Guidelines, 2015. Collection method: clinical testing. Allele origin: germline. Observed: 1 variant allele.
Comment: BP4, BP7

Blueprint Genetics
Classification: Likely benign. Last evaluated: 2022-12-23. Review status: criteria provided, single submitter. Criteria: ACMG Guidelines, 2015. Collection method: clinical testing. Allele origin: germline.

Natera, Inc.
Classification: Uncertain significance for Sandhoff disease. Last evaluated: 2020-01-24. Review status: no assertion criteria provided. Collection method: clinical testing. Allele origin: germline. Not counted in ClinVar's aggregate classification.